The following is an entry in ClinVar:

NM_032737.4(LMNB2):c.477C>A (p.Ser159Arg)

Gene: LMNB2 (lamin B2; minus strand). Cytogenetic location: 19p13.3.
Variant type: single nucleotide variant.
Coding change: c.477C>A on transcript NM_032737.4 (MANE Select); coding-DNA position 477, C replaced by A.
Protein change: p.Ser159Arg; replaces serine 159 with arginine.
Molecular consequence: missense variant.
Genome position (GRCh38, 1-based): chr19:2,438,456, G>T on the plus strand (C>A on the coding strand, the complement: LMNB2 is on the minus strand). VCF-style: chr19-2438456-G-T. GRCh37 (hg19) VCF-style: chr19-2438454-G-T.
Other names: short protein forms S159R.
Identifiers: ClinVar variation 542431 (VCV000542431.10), dbSNP rs923000484, ClinGen allele CA403257788.

ClinVar aggregate classification (germline): Uncertain significance (1 of 4 stars; one submission).

Conditions:
Lipodystrophy, partial, acquired, susceptibility to (APLD). Also called: APLD, SUSCEPTIBILITY TO. Identifiers: MedGen C3887501, MONDO:0100476, OMIM 608709.
Progressive myoclonic epilepsy type 9. Identifiers: Orphanet 457265, MedGen C4225289, MONDO:0014685, OMIM 616540.

Submission:

Labcorp Genetics (formerly Invitae), Labcorp
Classification: Uncertain significance for Progressive myoclonic epilepsy type 9; Lipodystrophy, partial, acquired, susceptibility to. Last evaluated: 2020-02-14. Review status: criteria provided, single submitter. Criteria: Invitae Variant Classification Sherloc (09022015). Collection method: clinical testing. Allele origin: germline.
Comment: Algorithms developed to predict the effect of missense changes on protein structure and function (SIFT, PolyPhen-2, Align-GVGD) all suggest that this variant is likely to be disruptive, but these predictions have not been confirmed by published functional studies and their clinical significance is uncertain. This variant has not been reported in the literature in individuals with LMNB2-related disease. This variant is not present in population databases (ExAC no frequency). In summary, the available evidence is currently insufficient to determine the role of this variant in disease. Therefore, it has been classified as a Variant of Uncertain Significance. This sequence change replaces serine with arginine at codon 159 of the LMNB2 protein (p.Ser159Arg). The serine residue is highly conserved and there is a moderate physicochemical difference between serine and arginine.